The following is an entry in ClinVar:

ClinVar aggregate classification (germline): Uncertain significance. Review status: criteria provided, multiple submitters, no conflicts (2 of 4 stars). 3 submissions from 3 submitters: Uncertain significance (3). Last evaluated 2026-01-12.

Conditions:
Inborn genetic diseases. Identifiers: MedGen C0950123, MeSH D030342.
Progressive myositis ossificans (FOP). Also called: Fibrodysplasia Ossificans Progressiva; Myositis ossificans progressiva; Progressive ossifying myositis. Identifiers: Orphanet 337, MedGen C0016037, MONDO:0007606, OMIM 135100.

Allele frequency attached by ClinVar (database versions not stated): ExAC 0.00001; gnomAD 0.00001; gnomAD exomes 0.00001; TOPMed 0.00001.
gnomAD v4.1: 21 of 1,613,800 alleles (0.0013%); highest among the groups gnomAD compares: Middle Eastern, 0.016%; no homozygotes.

Submissions (3):

Labcorp Genetics (formerly Invitae), Labcorp
Classification: Uncertain significance. Last evaluated: 2026-01-12. Review status: criteria provided, single submitter. Criteria: Invitae Variant Classification Sherloc (09022015). Collection method: clinical testing. Allele origin: germline.
Comment: This sequence change replaces serine, which is neutral and polar, with phenylalanine, which is neutral and non-polar, at codon 41 of the ACVR1 protein (p.Ser41Phe). This variant is present in population databases (rs55957214, gnomAD 0.004%). This variant has not been reported in the literature in individuals affected with ACVR1-related conditions. ClinVar contains an entry for this variant (Variation ID: 893905). An algorithm developed to predict the effect of missense changes on protein structure and function (PolyPhen-2) suggests that this variant is likely to be disruptive. In summary, the available evidence is currently insufficient to determine the role of this variant in disease. Therefore, it has been classified as a Variant of Uncertain Significance.

Ambry Genetics
Classification: Uncertain significance for Inborn genetic diseases. Last evaluated: 2021-07-30. Review status: criteria provided, single submitter. Criteria: Ambry Variant Classification Scheme 2023. Collection method: clinical testing. Allele origin: germline.

Illumina Laboratory Services, Illumina
Classification: Uncertain significance for Progressive myositis ossificans. Last evaluated: 2017-04-27. Review status: criteria provided, single submitter. Criteria: ICSL Variant Classification Criteria 13 December 2019. Collection method: clinical testing. Allele origin: germline.
Comment: This variant was observed as part of a predisposition screen in an ostensibly healthy population. A literature search was performed for the gene, cDNA change, and amino acid change (where applicable). Publications were found based on this search. However, the evidence from the literature, in combination with allele frequency data from public databases where available, was not sufficient to rule this variant in or out of causing disease. Therefore, this variant is classified as a variant of unknown significance.

Literature cited by the submitters: PubMed 23302548 (cited by Illumina Laboratory Services, Illumina).

NM_001111067.4(ACVR1):c.122C>T (p.Ser41Phe)

Gene: ACVR1 (activin A receptor type 1; minus strand). Cytogenetic location: 2q24.1.
Variant type: single nucleotide variant.
Coding change: c.122C>T on transcript NM_001111067.4 (MANE Select); coding-DNA position 122, C replaced by T.
Protein change: p.Ser41Phe; replaces serine 41 with phenylalanine.
Molecular consequence: missense variant.
Genome position (GRCh38, 1-based): chr2:157,780,546, G>A on the plus strand (C>T on the coding strand, the complement: ACVR1 is on the minus strand). VCF-style: chr2-157780546-G-A. GRCh37 (hg19) VCF-style: chr2-158637058-G-A.
Other names: c.122C>T, p.Ser41Phe (NM_001105.5, NM_001347663.1, NM_001347664.1 and 3 more transcripts); short protein forms S41F.
Identifiers: ClinVar variation 893905 (VCV000893905.12), dbSNP rs55957214, ClinGen allele CA1919216.
Genomic context (GRCh38, chr2:157,780,546, plus strand): 5'-TCGTTGATGCTCAGTGAGGAAAAGCACTGCTGGCCTTCACAGTGGTCCTCATTACCGCAG[G>A]AGAGACCTTCACACACACACATGTAGAGTTTGGGGTTGACCTTGGGCTTCTCATCTGCAA-3'
Protein context (NP_001104537.1, residues 31-51): KLYMCVCEGL[Ser41Phe]CGNEDHCEGQ